The following is an entry in ClinVar:

NM_003978.5(PSTPIP1):c.213-8T>G

Gene: PSTPIP1 (proline-serine-threonine phosphatase interacting protein 1; plus strand). Cytogenetic location: 15q24.3.
Variant type: single nucleotide variant.
Coding change: c.213-8T>G on transcript NM_003978.5 (MANE Select); 8 bases into the intron before coding-DNA position 213, T replaced by G.
Molecular consequence: intron variant.
Genome position (GRCh38, 1-based): chr15:77,025,276, T>G. VCF-style: chr15-77025276-T-G. GRCh37 (hg19) VCF-style: chr15-77317617-T-G.
Other names: c.408-8T>G (NM_001321137.1); c.186-8T>G (NM_001321136.2); c.213-8T>G (NM_001321135.2, NM_001411086.1).
Identifiers: ClinVar variation 2874917 (VCV002874917.3), dbSNP rs2076253196, ClinGen allele CA2188857671.

ClinVar aggregate classification (germline): Uncertain significance (1 of 4 stars; one submission).

Conditions:
Pyogenic arthritis-pyoderma gangrenosum-acne syndrome (PAPA). Also called: PAPA SYNDROME; FAMILIAL RECURRENT ARTHRITIS. Identifiers: Orphanet 69126, MedGen C1858361, MONDO:0011462, OMIM 604416.

Allele frequency attached by ClinVar (database versions not stated): gnomAD exomes below 0.00001; TOPMed 0.00002.
gnomAD v4.1: 1 of 1,608,178 alleles (0.000062%); highest among the groups gnomAD compares: African/African-American, 0.0013%; no homozygotes.

Submission:

Labcorp Genetics (formerly Invitae), Labcorp
Classification: Uncertain significance for Pyogenic arthritis-pyoderma gangrenosum-acne syndrome. Last evaluated: 2023-09-21. Review status: criteria provided, single submitter. Criteria: Invitae Variant Classification Sherloc (09022015). Collection method: clinical testing. Allele origin: germline.
Comment: In summary, the available evidence is currently insufficient to determine the role of this variant in disease. Therefore, it has been classified as a Variant of Uncertain Significance. Algorithms developed to predict the effect of sequence changes on RNA splicing suggest that this variant may disrupt the consensus splice site. This variant has not been reported in the literature in individuals affected with PSTPIP1-related conditions. This variant is not present in population databases (gnomAD no frequency). This sequence change falls in intron 3 of the PSTPIP1 gene. It does not directly change the encoded amino acid sequence of the PSTPIP1 protein.